The following is an entry in ClinVar:

ClinVar aggregate classification (germline): Uncertain significance (1 of 4 stars; one submission).

gnomAD v4.1: 55 of 1,613,904 alleles (0.0034%); highest among the groups gnomAD compares: Non-Finnish European, 0.0045%; no homozygotes.

Submission:

Ambry Genetics
Classification: Uncertain significance. Last evaluated: 2024-12-23. Review status: criteria provided, single submitter. Criteria: Ambry Variant Classification Scheme 2023. Collection method: clinical testing. Allele origin: germline.
Comment: The p.F333L variant (also known as c.997T>C), located in coding exon 9 of the RAD51B gene, results from a T to C substitution at nucleotide position 997. The phenylalanine at codon 333 is replaced by leucine, an amino acid with highly similar properties. This amino acid position is highly conserved in available vertebrate species. In addition, this alteration is predicted to be tolerated by in silico analysis. The evidence for this gene-disease relationship is limited; therefore, the clinical significance of this alteration is unclear.

NM_133510.4(RAD51B):c.997T>C (p.Phe333Leu)

Gene: RAD51B (RAD51 paralog B; plus strand). Cytogenetic location: 14q24.1.
Variant type: single nucleotide variant.
Coding change: c.997T>C on transcript NM_133510.4 (MANE Select); coding-DNA position 997, T replaced by C.
Protein change: p.Phe333Leu; replaces phenylalanine 333 with leucine.
Molecular consequence: missense variant.
Genome position (GRCh38, 1-based): chr14:68,468,211, T>C. VCF-style: chr14-68468211-T-C. GRCh37 (hg19) VCF-style: chr14-68934928-T-C.
Other names: c.997T>C, p.Phe333Leu (NM_001321809.2, NM_001321810.2, NM_001321812.1 and 6 more transcripts); c.883T>C, p.Phe295Leu (NM_001321815.1); c.640T>C, p.Phe214Leu (NM_001321817.2); short protein forms F295L, F214L, F333L.
Identifiers: ClinVar variation 3786358 (VCV003786358.1).